The following is an entry in ClinVar:

ClinVar aggregate classification (germline): Uncertain significance (1 of 4 stars; one submission).

Allele frequency attached by ClinVar (database versions not stated): ExAC 0.00001; gnomAD exomes 0.00002; TOPMed 0.00002; gnomAD 0.00003.

Submission:

Labcorp Genetics (formerly Invitae), Labcorp
Classification: Uncertain significance. Last evaluated: 2025-12-08. Review status: criteria provided, single submitter. Criteria: Invitae Variant Classification Sherloc (09022015). Collection method: clinical testing. Allele origin: germline.
Comment: This sequence change replaces isoleucine, which is neutral and non-polar, with valine, which is neutral and non-polar, at codon 381 of the ERBB4 protein (p.Ile381Val). This variant is present in population databases (rs760614876, gnomAD 0.0009%). This variant has not been reported in the literature in individuals affected with ERBB4-related conditions. ClinVar contains an entry for this variant (Variation ID: 1912313). Invitae Evidence Modeling of protein sequence and biophysical properties (such as structural, functional, and spatial information, amino acid conservation, physicochemical variation, residue mobility, and thermodynamic stability) indicates that this missense variant is not expected to disrupt ERBB4 protein function with a negative predictive value of 80%. In summary, the available evidence is currently insufficient to determine the role of this variant in disease. Therefore, it has been classified as a Variant of Uncertain Significance.

NM_005235.3(ERBB4):c.1141A>G (p.Ile381Val)

Gene: ERBB4 (erb-b2 receptor tyrosine kinase 4; minus strand). Cytogenetic location: 2q34.
Variant type: single nucleotide variant.
Coding change: c.1141A>G on transcript NM_005235.3 (MANE Select); coding-DNA position 1141, A replaced by G.
Protein change: p.Ile381Val; replaces isoleucine 381 with valine.
Molecular consequence: missense variant.
Genome position (GRCh38, 1-based): chr2:211,705,375, T>C on the plus strand (A>G on the coding strand, the complement: ERBB4 is on the minus strand). VCF-style: chr2-211705375-T-C. GRCh37 (hg19) VCF-style: chr2-212570100-T-C.
Other names: c.1141A>G, p.Ile381Val (NM_001042599.2); short protein forms I381V.
Identifiers: ClinVar variation 1912313 (VCV001912313.5), dbSNP rs760614876, ClinGen allele CA2088215.